The following is an entry in ClinVar:

NM_001005273.3(CHD3):c.5182C>T (p.Arg1728Trp)

Gene: CHD3 (chromodomain helicase DNA binding protein 3; plus strand). Cytogenetic location: 17p13.1.
Variant type: single nucleotide variant.
Coding change: c.5182C>T on transcript NM_001005273.3 (MANE Select); coding-DNA position 5182, C replaced by T.
Protein change: p.Arg1728Trp; replaces arginine 1728 with tryptophan.
Molecular consequence: missense variant.
Genome position (GRCh38, 1-based): chr17:7,908,431, C>T. VCF-style: chr17-7908431-C-T. GRCh37 (hg19) VCF-style: chr17-7811749-C-T.
Other names: c.5359C>T, p.Arg1787Trp (NM_001005271.3); c.5080C>T, p.Arg1694Trp (NM_005852.4); short protein forms R1694W, R1787W, R1728W.
Identifiers: ClinVar variation 3832791 (VCV003832791.9).

ClinVar aggregate classification (germline): Uncertain significance. Review status: criteria provided, multiple submitters, no conflicts (2 of 4 stars). 2 submissions from 2 submitters: Uncertain significance (2). Last evaluated 2025-08-01.

Conditions:
Inborn genetic diseases. Identifiers: MedGen C0950123, MeSH D030342.

gnomAD v4.1: 5 of 1,613,522 alleles (0.00031%); highest among the groups gnomAD compares: Non-Finnish European, 0.00017%; no homozygotes.

Submissions (2):

CeGaT Center for Human Genetics Tuebingen
Classification: Uncertain significance. Last evaluated: 2025-08-01. Review status: criteria provided, single submitter. Criteria: CeGaT Center For Human Genetics Tuebingen Variant Classification Criteria Version 2. Collection method: clinical testing. Allele origin: germline. Affected: yes. Observed: 1 variant allele.
Comment: CHD3: PM2, PP3

Ambry Genetics
Classification: Uncertain significance for Inborn genetic diseases. Last evaluated: 2024-12-20. Review status: criteria provided, single submitter. Criteria: Ambry Variant Classification Scheme 2023. Collection method: clinical testing. Allele origin: germline.